The following is an entry in ClinVar:

ClinVar aggregate classification (germline): Uncertain significance (1 of 4 stars; one submission).

Conditions:
Hereditary cancer-predisposing syndrome. Also called: Neoplastic Syndromes, Hereditary; Tumor predisposition; Hereditary Cancer Syndrome; Hereditary neoplastic syndrome. Identifiers: Orphanet 140162, MedGen C0027672, MeSH D009386, MONDO:0015356.

Submission:

Ambry Genetics
Classification: Uncertain significance for Hereditary cancer-predisposing syndrome. Last evaluated: 2026-05-31. Review status: criteria provided, single submitter. Criteria: Ambry Variant Classification Scheme 2023. Collection method: clinical testing. Allele origin: germline.
Comment: The p.E368A variant (also known as c.1103A>C), located in coding exon 9 of the NBN gene, results from an A to C substitution at nucleotide position 1103. The glutamic acid at codon 368 is replaced by alanine, an amino acid with dissimilar properties. This amino acid position is conserved. In addition, this alteration is predicted to be tolerated by in silico analysis. Based on the available evidence, the clinical significance of this variant remains unclear.

NM_002485.5(NBN):c.1103A>C (p.Glu368Ala)

Gene: NBN (nibrin; minus strand). Cytogenetic location: 8q21.3.
Variant type: single nucleotide variant.
Coding change: c.1103A>C on transcript NM_002485.5 (MANE Select); coding-DNA position 1103, A replaced by C.
Protein change: p.Glu368Ala; replaces glutamic acid 368 with alanine.
Molecular consequence: missense variant.
Genome position (GRCh38, 1-based): chr8:89,958,746, T>G on the plus strand (A>C on the coding strand, the complement: NBN is on the minus strand). VCF-style: chr8-89958746-T-G. GRCh37 (hg19) VCF-style: chr8-90970974-T-G.
Other names: c.857A>C, p.Glu286Ala (NM_001024688.3, NM_001440379.1, NM_001440380.1); short protein forms E286A, E368A.
Identifiers: ClinVar variation 4860760 (VCV004860760.1).
Genomic context (GRCh38, chr8:89,958,746, plus strand): 5'-TAGAATAATAACAATAGTACGGTAATGAAGAAGCTTTACCATGTATCTGCTTGCTCTGAT[T>G]CTGTGTCAGCTACGTATGTTGTAGTGTTCACTGGGGCGCTTGGCATTAGTTTTTCATCAA-3'
Protein context (NP_002476.2, residues 358-378): VNTTTYVADT[Glu368Ala]SEQADTWDLS